The following is an entry in ClinVar:

NM_000038.6(APC):c.6106G>A (p.Asp2036Asn)

Gene: APC (APC regulator of Wnt signaling pathway; plus strand). Cytogenetic location: 5q22.2.
Variant type: single nucleotide variant.
Coding change: c.6106G>A on transcript NM_000038.6 (MANE Select); coding-DNA position 6106, G replaced by A.
Protein change: p.Asp2036Asn; replaces aspartic acid 2036 with asparagine.
Molecular consequence: missense variant.
Genome position (GRCh38, 1-based): chr5:112,841,700, G>A. VCF-style: chr5-112841700-G-A. GRCh37 (hg19) VCF-style: chr5-112177397-G-A.
Other names: c.6106G>A, p.Asp2036Asn (NM_001127510.3, NM_001354895.2); c.6052G>A, p.Asp2018Asn (NM_001127511.3); c.6160G>A, p.Asp2054Asn (NM_001354896.2); c.6136G>A, p.Asp2046Asn (NM_001354897.2); c.6031G>A, p.Asp2011Asn (NM_001354898.2); c.6022G>A, p.Asp2008Asn (NM_001354899.2); c.5983G>A, p.Asp1995Asn (NM_001354900.2); c.5929G>A, p.Asp1977Asn (NM_001354901.2); and 5 more; short protein forms D2018N, D2036N, D1876N, D1910N, D1935N, D1995N, D2011N, D2054N.
Identifiers: ClinVar variation 485114 (VCV000485114.21), dbSNP rs1312511221, ClinGen allele CA16034696.
Genomic context (GRCh38, chr5:112,841,700, plus strand): 5'-GATACCCCAGTTTGTTTCTCAAGAAACAGTTCTCTCAGTTCTCTTAGTATTGACTCTGAA[G>A]ATGACCTGTTGCAGGAATGTATAAGCTCCGCAATGCCAAAAAAGAAAAAGCCTTCAAGAC-3'
Protein context (NP_000029.2, residues 2026-2046): SLSSLSIDSE[Asp2036Asn]DLLQECISSA

ClinVar aggregate classification (germline): Conflicting classifications of pathogenicity. Review status: criteria provided, conflicting classifications (1 of 4 stars). 4 submissions from 4 submitters: Uncertain significance (3); Benign (1). Last evaluated 2026-01-19.

Conditions:
Familial adenomatous polyposis 1 (FAP1). Also called: FAMILIAL ADENOMATOUS POLYPOSIS 1, ATTENUATED; POLYPOSIS, ADENOMATOUS INTESTINAL. Identifiers: MedGen C2713442, MONDO:0021056, OMIM 175100. Disease mechanism: loss of function.
Hereditary cancer-predisposing syndrome. Also called: Neoplastic Syndromes, Hereditary; Tumor predisposition; Hereditary Cancer Syndrome; Hereditary neoplastic syndrome. Identifiers: Orphanet 140162, MedGen C0027672, MeSH D009386, MONDO:0015356.
Classic or attenuated familial adenomatous polyposis. Identifiers: MedGen CN372698, MONDO:0021057.

Allele frequency attached by ClinVar (database versions not stated): gnomAD exomes below 0.00001; TOPMed 0.00001; gnomAD 0.00002 and 0.00003.
gnomAD v4.1: 5 of 1,613,742 alleles (0.00031%); highest among the groups gnomAD compares: Admixed American, 0.0083%; no homozygotes.

Submissions (4):

Labcorp Genetics (formerly Invitae), Labcorp
Classification: Benign for Familial adenomatous polyposis 1. Last evaluated: 2026-01-19. Review status: criteria provided, single submitter. Criteria: Invitae Variant Classification Sherloc (09022015). Collection method: clinical testing. Allele origin: germline.

Ambry Genetics
Classification: Uncertain significance for Hereditary cancer-predisposing syndrome. Last evaluated: 2025-09-20. Review status: criteria provided, single submitter. Criteria: Ambry Variant Classification Scheme 2023. Collection method: clinical testing. Allele origin: germline.
Comment: The p.D2036N variant (also known as c.6106G>A), located in coding exon 15 of the APC gene, results from a G to A substitution at nucleotide position 6106. The aspartic acid at codon 2036 is replaced by asparagine, an amino acid with highly similar properties. This amino acid position is highly conserved in available vertebrate species. In addition, in silico predictors for this gene do not accurately predict pathogenicity. Since supporting evidence is limited at this time, the clinical significance of this alteration remains unclear.

All of Us Research Program, National Institutes of Health
Classification: Uncertain significance for Classic or attenuated familial adenomatous polyposis. Last evaluated: 2023-12-18. Review status: criteria provided, single submitter. Criteria: ACMG Guidelines, 2015. Collection method: clinical testing. Allele origin: germline. Inheritance: Autosomal dominant inheritance. Observed: 1 variant allele, 1 heterozygote.
Comment: This missense variant replaces aspartic acid with asparagine at codon 2036 of the APC protein. Computational prediction is inconclusive regarding the impact of this variant on protein structure and function (internally defined REVEL score threshold 0.5 < inconclusive < 0.7, PMID: 27666373). To our knowledge, functional studies have not been reported for this variant. This variant has not been reported in individuals affected with APC-related disorders in the literature. This variant has been identified in 1/250836 chromosomes in the general population by the Genome Aggregation Database (gnomAD). The available evidence is insufficient to determine the role of this variant in disease conclusively. Therefore, this variant is classified as a Variant of Uncertain Significance.

This study involves interpretation of variants in research participants for the purpose of population health screening. Participant phenotype was not available at the time of variant classification. Additional details can be found in publication PMID: 35346344, PMCID: PMC8962531

Color Diagnostics, LLC DBA Color Health
Classification: Uncertain significance for Hereditary cancer-predisposing syndrome. Last evaluated: 2023-11-22. Review status: criteria provided, single submitter. Criteria: ACMG Guidelines, 2015. Collection method: clinical testing. Allele origin: germline.
Comment: This missense variant replaces aspartic acid with asparagine at codon 2036 of the APC protein. Computational prediction is inconclusive regarding the impact of this variant on protein structure and function (internally defined REVEL score threshold 0.5 < inconclusive < 0.7, PMID: 27666373). To our knowledge, functional studies have not been reported for this variant. This variant has not been reported in individuals affected with APC-related disorders in the literature. This variant has been identified in 1/250836 chromosomes in the general population by the Genome Aggregation Database (gnomAD). The available evidence is insufficient to determine the role of this variant in disease conclusively. Therefore, this variant is classified as a Variant of Uncertain Significance.